The following is an entry in ClinVar:

NM_015259.6(ICOSLG):c.50G>T (p.Arg17Leu)

Gene: ICOSLG (inducible T cell costimulator ligand; minus strand). Cytogenetic location: 21q22.3.
Variant type: single nucleotide variant.
Coding change: c.50G>T on transcript NM_015259.6 (MANE Select); coding-DNA position 50, G replaced by T.
Protein change: p.Arg17Leu; replaces arginine 17 with leucine.
Molecular consequence: missense variant. On other transcripts: 5 prime UTR variant (2).
Genome position (GRCh38, 1-based): chr21:44,238,453, C>A on the plus strand (G>T on the coding strand, the complement: ICOSLG is on the minus strand). VCF-style: chr21-44238453-C-A. GRCh37 (hg19) VCF-style: chr21-45658336-C-A.
Other names: c.50G>T, p.Arg17Leu (NM_001283050.2, NM_001283051.2, NM_001395918.1); c.-54G>T (NM_001283052.2); c.-32G>T (NM_001365759.2); short protein forms R17L.
Identifiers: ClinVar variation 2872016 (VCV002872016.3), dbSNP rs760455624, ClinGen allele CA410616942.

ClinVar aggregate classification (germline): Uncertain significance (1 of 4 stars; one submission).

Submission:

Labcorp Genetics (formerly Invitae), Labcorp
Classification: Uncertain significance. Last evaluated: 2024-06-25. Review status: criteria provided, single submitter. Criteria: Invitae Variant Classification Sherloc (09022015). Collection method: clinical testing. Allele origin: germline.
Comment: This sequence change replaces arginine, which is basic and polar, with leucine, which is neutral and non-polar, at codon 17 of the ICOSLG protein (p.Arg17Leu). This variant is not present in population databases (gnomAD no frequency). This variant has not been reported in the literature in individuals affected with ICOSLG-related conditions. Algorithms developed to predict the effect of missense changes on protein structure and function output the following: SIFT: "Not Available"; PolyPhen-2: "Possibly Damaging"; Align-GVGD: "Not Available". The leucine amino acid residue is found in multiple mammalian species, which suggests that this missense change does not adversely affect protein function. In summary, the available evidence is currently insufficient to determine the role of this variant in disease. Therefore, it has been classified as a Variant of Uncertain Significance.